The following is an entry in ClinVar:

ClinVar aggregate classification (germline): Uncertain significance. Review status: criteria provided, multiple submitters, no conflicts (2 of 4 stars). 2 submissions from 2 submitters: Uncertain significance (2). Last evaluated 2022-07-15.

Conditions:
Inborn genetic diseases. Identifiers: MedGen C0950123, MeSH D030342.
Mosaic variegated aneuploidy syndrome 1 (MVA1). Also called: Warburton-Anyane-Yeboa syndrome. Identifiers: Orphanet 1052, MedGen C1850343, MONDO:0009759, OMIM 257300.

gnomAD v4.1: 2 of 1,613,992 alleles (0.00012%); highest among the groups gnomAD compares: East Asian, 0.0045%; no homozygotes.

Submissions (2):

Ambry Genetics
Classification: Uncertain significance for Inborn genetic diseases. Last evaluated: 2022-07-15. Review status: criteria provided, single submitter. Criteria: Ambry Variant Classification Scheme 2023. Collection method: clinical testing. Allele origin: germline.
Comment: The p.R199P variant (also known as c.596G>C), located in coding exon 6 of the BUB1B gene, results from a G to C substitution at nucleotide position 596. The arginine at codon 199 is replaced by proline, an amino acid with dissimilar properties. This amino acid position is conserved. In addition, this alteration is predicted to be deleterious by in silico analysis. Since supporting evidence is limited at this time, the clinical significance of this alteration remains unclear.

Labcorp Genetics (formerly Invitae), Labcorp
Classification: Uncertain significance for Mosaic variegated aneuploidy syndrome 1. Last evaluated: 2020-05-13. Review status: criteria provided, single submitter. Criteria: Invitae Variant Classification Sherloc (09022015). Collection method: clinical testing. Allele origin: germline.
Comment: This variant is not present in population databases (ExAC no frequency). This variant has not been reported in the literature in individuals with BUB1B-related conditions. Algorithms developed to predict the effect of missense changes on protein structure and function are either unavailable or do not agree on the potential impact of this missense change (SIFT: "Tolerated"; PolyPhen-2: "Probably Damaging"; Align-GVGD: "Class C0"). In summary, the available evidence is currently insufficient to determine the role of this variant in disease. Therefore, it has been classified as a Variant of Uncertain Significance. This sequence change replaces arginine with proline at codon 199 of the BUB1B protein (p.Arg199Pro). The arginine residue is highly conserved and there is a moderate physicochemical difference between arginine and proline.

NM_001211.6(BUB1B):c.596G>C (p.Arg199Pro)

Gene: BUB1B (BUB1 mitotic checkpoint serine/threonine kinase B; plus strand). Cytogenetic location: 15q15.1.
Variant type: single nucleotide variant.
Coding change: c.596G>C on transcript NM_001211.6 (MANE Select); coding-DNA position 596, G replaced by C.
Protein change: p.Arg199Pro; replaces arginine 199 with proline.
Molecular consequence: missense variant.
Genome position (GRCh38, 1-based): chr15:40,183,728, G>C. VCF-style: chr15-40183728-G-C. GRCh37 (hg19) VCF-style: chr15-40475929-G-C.
Other names: short protein forms R199P.
Identifiers: ClinVar variation 1020323 (VCV001020323.50), dbSNP rs779260067, ClinGen allele CA391683083.